The following is an entry in ClinVar:

NM_001011.4(RPS7):c.-47G>T

Gene: RPS7 (ribosomal protein S7; plus strand). Cytogenetic location: 2p25.3.
Variant type: single nucleotide variant.
Coding change: c.-47G>T on transcript NM_001011.4 (MANE Select); 47 bases upstream of the start codon, G replaced by T.
Molecular consequence: 5 prime UTR variant.
Genome position (GRCh38, 1-based): chr2:3,575,322, G>T. VCF-style: chr2-3575322-G-T. GRCh37 (hg19) VCF-style: chr2-3622912-G-T.
Other names: c.-47G>T (LRG_1148t1).
Identifiers: ClinVar variation 335895 (VCV000335895.6), dbSNP rs11558965, ClinGen allele CA10615354.

ClinVar aggregate classification (germline): Benign. Review status: criteria provided, multiple submitters, no conflicts (2 of 4 stars). 3 submissions from 3 submitters: Benign (3). Last evaluated 2018-01-12.

Conditions:
Diamond-Blackfan anemia 8 (DBA8). Also called: RPS7-Related Diamond-Blackfan Anemia. Identifiers: Orphanet 124, MedGen C2675511, MONDO:0012939, OMIM 612563.

Allele frequency attached by ClinVar (database versions not stated): gnomAD 0.05197 and 0.05356; TOPMed 0.05373; 1000 Genomes Project 30x 0.05465; 1000 Genomes Project 0.05671.
gnomAD v4.1: 31,328 of 493,910 alleles (6.3%); highest among the groups gnomAD compares: South Asian, 9.1%; 1,174 homozygotes.

Submissions (3):

Illumina Laboratory Services, Illumina
Classification: Benign for Diamond-Blackfan anemia 8. Last evaluated: 2018-01-12. Review status: criteria provided, single submitter. Criteria: ICSL Variant Classification Criteria 13 December 2019. Collection method: clinical testing. Allele origin: germline.
Comment: This variant was observed in the ICSL laboratory as part of a predisposition screen in an ostensibly healthy population. It had not been previously curated by ICSL or reported in the Human Gene Mutation Database (HGMD: prior to June 1st, 2018), and was therefore a candidate for classification through an automated scoring system. Utilizing variant allele frequency, disease prevalence and penetrance estimates, and inheritance mode, an automated score was calculated to assess if this variant is too frequent to cause the disease. Based on the score and internal cut-off values, a variant classified as benign is not then subjected to further curation. The score for this variant resulted in a classification of benign for this disease.

GeneDx
Classification: Benign. Last evaluated: 2017-02-06. Review status: criteria provided, single submitter. Criteria: GeneDx Variant Classification (06012015). Collection method: clinical testing. Allele origin: germline. Affected: yes.
Comment: This variant is considered likely benign or benign based on one or more of the following criteria: it is a conservative change, it occurs at a poorly conserved position in the protein, it is predicted to be benign by multiple in silico algorithms, and/or has population frequency not consistent with disease.

Breakthrough Genomics
Classification: Benign. Review status: criteria provided, single submitter. Criteria: ACMG Guidelines, 2015. Collection method: not provided. Allele origin: germline. Inheritance: Autosomal dominant inheritance. Affected: yes.